The following is an entry in ClinVar:

NM_005045.4(RELN):c.2725G>A (p.Ala909Thr)

Gene: RELN (reelin; minus strand). Cytogenetic location: 7q22.1.
Variant type: single nucleotide variant.
Coding change: c.2725G>A on transcript NM_005045.4 (MANE Select); coding-DNA position 2725, G replaced by A.
Protein change: p.Ala909Thr; replaces alanine 909 with threonine.
Molecular consequence: missense variant.
Genome position (GRCh38, 1-based): chr7:103,611,781, C>T on the plus strand (G>A on the coding strand, the complement: RELN is on the minus strand). VCF-style: chr7-103611781-C-T. GRCh37 (hg19) VCF-style: chr7-103252228-C-T.
Other names: c.2725G>A, p.Ala909Thr (NM_173054.3); short protein forms A909T.
Identifiers: ClinVar variation 568582 (VCV000568582.9), dbSNP rs1167526294, ClinGen allele CA368754810.

ClinVar aggregate classification (germline): Uncertain significance (1 of 4 stars; one submission).

Conditions:
Norman-Roberts syndrome (LIS2). Also called: Lissencephaly 2 (Norman-Roberts type). Identifiers: Orphanet 89844, MedGen C0796089, MONDO:0009760, OMIM 257320.
Familial temporal lobe epilepsy 7. Identifiers: Orphanet 101046, MedGen C4225327, MONDO:0014639, OMIM 616436.

gnomAD v4.1: 3 of 1,613,714 alleles (0.00019%); highest among the groups gnomAD compares: Admixed American, 0.005%; no homozygotes.

Submission:

Labcorp Genetics (formerly Invitae), Labcorp
Classification: Uncertain significance for Familial temporal lobe epilepsy 7; Norman-Roberts syndrome. Last evaluated: 2026-01-20. Review status: criteria provided, single submitter. Criteria: Invitae Variant Classification Sherloc (09022015). Collection method: clinical testing. Allele origin: germline.
Comment: This sequence change replaces alanine, which is neutral and non-polar, with threonine, which is neutral and polar, at codon 909 of the RELN protein (p.Ala909Thr). This variant is not present in population databases (gnomAD no frequency). This variant has not been reported in the literature in individuals affected with RELN-related conditions. ClinVar contains an entry for this variant (Variation ID: 568582). Invitae Evidence Modeling of protein sequence and biophysical properties (such as structural, functional, and spatial information, amino acid conservation, physicochemical variation, residue mobility, and thermodynamic stability) indicates that this missense variant is not expected to disrupt RELN protein function with a negative predictive value of 80%. In summary, the available evidence is currently insufficient to determine the role of this variant in disease. Therefore, it has been classified as a Variant of Uncertain Significance.